The following is an entry in ClinVar:

ClinVar aggregate classification (germline): Benign/Likely benign. Review status: criteria provided, multiple submitters, no conflicts (2 of 4 stars). 5 submissions from 5 submitters: Benign (1); Likely benign (3). 1 of the submissions does not count toward it. Last evaluated 2026-01-12.

Conditions:
Cardiovascular phenotype. Identifiers: MedGen CN230736.
ANK2-related disorder. Also called: ANK2-related condition.
Long QT syndrome (LQTS). Identifiers: MedGen C0023976, MeSH D008133, MONDO:0002442. Disease mechanism: loss of function. Inheritance: Various modes of inheritance.

Allele frequency attached by ClinVar (database versions not stated): TOPMed 0.00012; 1000 Genomes Project 0.00060; 1000 Genomes Project 30x 0.00062.
gnomAD v4.1: 109 of 1,614,070 alleles (0.0068%); highest among the groups gnomAD compares: South Asian, 0.04%; no homozygotes.

Submissions (5):

Labcorp Genetics (formerly Invitae), Labcorp
Classification: Benign for Long QT syndrome. Last evaluated: 2026-01-12. Review status: criteria provided, single submitter. Criteria: Invitae Variant Classification Sherloc (09022015). Collection method: clinical testing. Allele origin: germline.

Ambry Genetics
Classification: Likely benign for Cardiovascular phenotype. Last evaluated: 2020-07-08. Review status: criteria provided, single submitter. Criteria: Ambry Variant Classification Scheme 2023. Collection method: clinical testing. Allele origin: germline.

Women's Health and Genetics/Laboratory Corporation of America, LabCorp
Classification: Likely benign. Last evaluated: 2019-01-28. Review status: criteria provided, single submitter. Criteria: LabCorp Variant Classification Summary - May 2015. Collection method: clinical testing. Allele origin: germline.
Comment: Variant summary: ANK2 c.10362G>C (p.Arg3454Ser) results in a non-conservative amino acid change in the encoded protein sequence. Four of five in-silico tools predict a benign effect of the variant on protein function. The variant allele was found at a frequency of 0.00013 in 276470 control chromosomes (gnomAD). The observed variant frequency is approximately 13 fold of the estimated maximal expected allele frequency for a pathogenic variant in ANK2 causing Arrhythmia phenotype (1e-05), strongly suggesting that the variant is benign. To our knowledge, no occurrence of c.10362G>C in individuals affected with Arrhythmia and no experimental evidence demonstrating its impact on protein function have been reported. Two ClinVar submissions from clinical diagnostic laboratories (evaluation after 2014) cite the variant as uncertain significance. Based on the evidence outlined above, the variant was classified as likely benign.

GeneDx
Classification: Likely benign. Last evaluated: 2018-12-07. Review status: criteria provided, single submitter. Criteria: GeneDx Variant Classification Process June 2021. Collection method: clinical testing. Allele origin: germline. Affected: yes.
Comment: This variant is associated with the following publications: (PMID: 30564305)

PreventionGenetics, part of Exact Sciences
Classification: Uncertain significance for ANK2-related condition. Last evaluated: 2023-11-21. Review status: no assertion criteria provided. Collection method: clinical testing. Allele origin: germline. Not counted in ClinVar's aggregate classification.
Comment: The ANK2 c.10362G>C variant is predicted to result in the amino acid substitution p.Arg3454Ser. This variant has been reported in an individual with autism spectrum disorder (Additional file 6: Data 3, referred to as Chr4:114280136G>C, Guo et al. 2018. PubMed ID: 30564305). This variant is reported in 0.045% of alleles in individuals of African descent in gnomAD. At this time, the clinical significance of this variant is uncertain due to the absence of conclusive functional and genetic evidence.

NM_001148.6(ANK2):c.10362G>C (p.Arg3454Ser)

Gene: ANK2 (ankyrin 2; plus strand). Cytogenetic location: 4q26.
Variant type: single nucleotide variant.
Coding change: c.10362G>C on transcript NM_001148.6 (MANE Select); coding-DNA position 10362, G replaced by C.
Protein change: p.Arg3454Ser; replaces arginine 3454 with serine.
Molecular consequence: missense variant. On other transcripts: intron variant (68).
Genome position (GRCh38, 1-based): chr4:113,358,980, G>C. VCF-style: chr4-113358980-G-C. GRCh37 (hg19) VCF-style: chr4-114280136-G-C.
Other names: c.10128G>C, p.Arg3376Ser (NM_001386142.1); c.6762G>C, p.Arg2254Ser (NM_001386166.1); c.10503G>C, p.Arg3501Ser (NM_001386174.1); c.10479G>C, p.Arg3493Ser (NM_001386175.1); c.4412-1843G>C (NM_001386186.2, NM_001386148.2); c.4214-1843G>C (NM_001354269.3); c.4292-1843G>C (NM_001386187.2); c.4253-1843G>C (NM_001386147.1); and 35 more; short protein forms R3454S, R2254S, R3376S, R3493S, R3501S.
Identifiers: ClinVar variation 449744 (VCV000449744.14), dbSNP rs55726422, ClinGen allele CA3052060.